The following is an entry in ClinVar:

NM_004100.5(EYA4):c.451A>G (p.Ile151Val)

Gene: EYA4 (EYA transcriptional coactivator and phosphatase 4; plus strand). Cytogenetic location: 6q23.2.
Variant type: single nucleotide variant.
Coding change: c.451A>G on transcript NM_004100.5 (MANE Select); coding-DNA position 451, A replaced by G.
Protein change: p.Ile151Val; replaces isoleucine 151 with valine.
Molecular consequence: missense variant.
Genome position (GRCh38, 1-based): chr6:133,462,348, A>G. VCF-style: chr6-133462348-A-G. GRCh37 (hg19) VCF-style: chr6-133783486-A-G.
Other names: c.289A>G, p.Ile97Val (NM_001301012.2, NM_001370459.1); c.451A>G, p.Ile151Val (NM_001301013.2, NM_172105.4); c.382A>G, p.Ile128Val (NM_001370458.1, NM_172103.4); short protein forms I128V, I151V, I97V.
Identifiers: ClinVar variation 3223699 (VCV003223699.3), dbSNP rs201210733, ClinGen allele CA4008076.
Genomic context (GRCh38, chr6:133,462,348, plus strand): 5'-ATACACAGTCTTTGTTGCCACAGTAATGCTATTTTTCTGATATTTAGGCCCTATCCACAC[A>G]TTCTTTCTACACCAGCAGCTCAAACAATGTCTGCCTATGCAGGCCAGACTCAGTATTCGG-3'
Protein context (NP_004091.3, residues 141-161): QLYPSKPYPH[Ile151Val]LSTPAAQTMS

ClinVar aggregate classification (germline): Uncertain significance. Review status: criteria provided, multiple submitters, no conflicts (2 of 4 stars). 2 submissions from 2 submitters: Uncertain significance (2). Last evaluated 2024-10-24.

Conditions:
Cardiovascular phenotype. Identifiers: MedGen CN230736.
Dilated cardiomyopathy 1J (CMD1J). Also called: CARDIOMYOPATHY, DILATED, WITH SENSORINEURAL HEARING LOSS, AUTOSOMAL DOMINANT. Identifiers: Orphanet 217622, MedGen C1854368, MONDO:0011541, OMIM 605362.

Allele frequency attached by ClinVar (database versions not stated): TOPMed below 0.00001; ExAC 0.00001; gnomAD exomes 0.00001; gnomAD 0.00002; 1000 Genomes Project 30x 0.00016; 1000 Genomes Project 0.00020.
gnomAD v4.1: 6 of 1,614,034 alleles (0.00037%); highest among the groups gnomAD compares: East Asian, 0.013%; no homozygotes.

Submissions (2):

Labcorp Genetics (formerly Invitae), Labcorp
Classification: Uncertain significance for Dilated cardiomyopathy 1J. Last evaluated: 2024-10-24. Review status: criteria provided, single submitter. Criteria: Invitae Variant Classification Sherloc (09022015). Collection method: clinical testing. Allele origin: germline.
Comment: This sequence change replaces isoleucine, which is neutral and non-polar, with valine, which is neutral and non-polar, at codon 151 of the EYA4 protein (p.Ile151Val). This variant is present in population databases (rs201210733, gnomAD 0.006%). This variant has not been reported in the literature in individuals affected with EYA4-related conditions. Invitae Evidence Modeling of protein sequence and biophysical properties (such as structural, functional, and spatial information, amino acid conservation, physicochemical variation, residue mobility, and thermodynamic stability) indicates that this missense variant is not expected to disrupt EYA4 protein function with a negative predictive value of 80%. In summary, the available evidence is currently insufficient to determine the role of this variant in disease. Therefore, it has been classified as a Variant of Uncertain Significance.

Ambry Genetics
Classification: Uncertain significance for Cardiovascular phenotype. Last evaluated: 2023-11-14. Review status: criteria provided, single submitter. Criteria: Ambry Variant Classification Scheme 2023. Collection method: clinical testing. Allele origin: germline.
Comment: The p.I151V variant (also known as c.451A>G), located in coding exon 7 of the EYA4 gene, results from an A to G substitution at nucleotide position 451. The isoleucine at codon 151 is replaced by valine, an amino acid with highly similar properties. This amino acid position is highly conserved in available vertebrate species. In addition, the in silico prediction for this alteration is inconclusive. Since supporting evidence is limited at this time, the clinical significance of this alteration remains unclear.